The following is an entry in ClinVar:

ClinVar aggregate classification (germline): Uncertain significance (1 of 4 stars; one submission).

Conditions:
Dyskeratosis congenita, autosomal dominant 2. Identifiers: MedGen C3151443, MONDO:0013521, OMIM 613989.
Idiopathic Pulmonary Fibrosis. Also called: Idiopathic fibrosing alveolitis, chronic form; idiopathic fibrosing alveolitis. Identifiers: Orphanet 2032, MedGen C1800706, MeSH D054990, MONDO:0800504.

Submission:

Labcorp Genetics (formerly Invitae), Labcorp
Classification: Uncertain significance for Dyskeratosis congenita, autosomal dominant 2; Idiopathic Pulmonary Fibrosis. Last evaluated: 2022-07-02. Review status: criteria provided, single submitter. Criteria: Invitae Variant Classification Sherloc (09022015). Collection method: clinical testing. Allele origin: germline.
Comment: In summary, the available evidence is currently insufficient to determine the role of this variant in disease. Therefore, it has been classified as a Variant of Uncertain Significance. Advanced modeling of protein sequence and biophysical properties (such as structural, functional, and spatial information, amino acid conservation, physicochemical variation, residue mobility, and thermodynamic stability) performed at Invitae indicates that this missense variant is not expected to disrupt TERT protein function. This variant has not been reported in the literature in individuals affected with TERT-related conditions. This variant is not present in population databases (gnomAD no frequency). This sequence change replaces tyrosine, which is neutral and polar, with histidine, which is basic and polar, at codon 325 of the TERT protein (p.Tyr325His).

NM_198253.3(TERT):c.973T>C (p.Tyr325His)

Gene: TERT (telomerase reverse transcriptase; minus strand). Cytogenetic location: 5p15.33.
Variant type: single nucleotide variant.
Coding change: c.973T>C on transcript NM_198253.3 (MANE Select); coding-DNA position 973, T replaced by C.
Protein change: p.Tyr325His; replaces tyrosine 325 with histidine.
Molecular consequence: missense variant. On other transcripts: non-coding transcript variant (2).
Genome position (GRCh38, 1-based): chr5:1,293,913, A>G on the plus strand (T>C on the coding strand, the complement: TERT is on the minus strand). VCF-style: chr5-1293913-A-G. GRCh37 (hg19) VCF-style: chr5-1294028-A-G.
Other names: c.973T>C, p.Tyr325His (NM_001193376.3, NM_003219.1); short protein forms Y325H.
Identifiers: ClinVar variation 2013209 (VCV002013209.4), dbSNP rs1579597164, ClinGen allele CA359056047.
Genomic context (GRCh38, chr5:1,293,913, plus strand): 5'-AGGAGGGCCGCAGCTGCTCCTTGTCGCCTGAGGAGTAGAGGAAGTGCTTGGTCTCGGCGT[A>G]CACCGGGGGACAAGGCGTGTCCCAGGGACGTGGTGGCCGCGATGTGGATGGGGGGCCCGC-3'
Protein context (NP_937983.2, residues 315-335): RPWDTPCPPV[Tyr325His]AETKHFLYSS